The following is an entry in ClinVar:

NM_001365536.1(SCN9A):c.1000G>A (p.Gly334Ser)

Genes: SCN9A (sodium voltage-gated channel alpha subunit 9; minus strand), SCN1A-AS1 (SCN1A and SCN9A antisense RNA 1; plus strand). Cytogenetic location: 2q24.3.
Variant type: single nucleotide variant.
Coding change: c.1000G>A on transcript NM_001365536.1 (MANE Select); coding-DNA position 1000, G replaced by A.
Protein change: p.Gly334Ser; replaces glycine 334 with serine.
Molecular consequence: missense variant.
Genome position (GRCh38, 1-based): chr2:166,293,338, C>T on the plus strand (G>A on the coding strand, the complement: SCN9A is on the minus strand). VCF-style: chr2-166293338-C-T. GRCh37 (hg19) VCF-style: chr2-167149848-C-T.
Other names: c.1000G>A, p.Gly334Ser (NM_002977.4); short protein forms G334S.
Identifiers: ClinVar variation 1059891 (VCV001059891.9), dbSNP rs1698161680, ClinGen allele CA349089275.
Genomic context (GRCh38, chr2:166,293,338, plus strand): 5'-AGGCTAAGAAGGCCCAGCTGAAAGTGTCAAAGCTCGTGTAGCCATAATCAGGGTTTCTGC[C>T]AATTTTCACACAGGTGTACCCCTCTGGACACTGACTACACACGAGAAAGAACATTATAGG-3'
Protein context (NP_001352465.1, residues 324-344): CPEGYTCVKI[Gly334Ser]RNPDYGYTSF

ClinVar aggregate classification (germline): Uncertain significance (1 of 4 stars; one submission).

Conditions:
Neuropathy, hereditary sensory and autonomic, type 2A (HSAN2A). Also called: MORVAN DISEASE; NEUROPATHY, CONGENITAL SENSORY; NEUROPATHY, HEREDITARY SENSORY RADICULAR, AUTOSOMAL RECESSIVE; NEUROPATHY, HEREDITARY SENSORY, TYPE IIA; NEUROPATHY, PROGRESSIVE SENSORY, OF CHILDREN; ACROOSTEOLYSIS, GIACCAI TYPE. Identifiers: Orphanet 970, MedGen C2752089, MONDO:0024309, OMIM 201300.
Generalized epilepsy with febrile seizures plus, type 7 (GEFSP7). Also called: GEFS+, TYPE 7. Identifiers: Orphanet 36387, MedGen C2751778, MONDO:0013470, OMIM 613863.

Allele frequency attached by ClinVar (database versions not stated): TOPMed below 0.00001.

Submission:

Labcorp Genetics (formerly Invitae), Labcorp
Classification: Uncertain significance for Neuropathy, hereditary sensory and autonomic, type 2A; Generalized epilepsy with febrile seizures plus, type 7. Last evaluated: 2024-06-06. Review status: criteria provided, single submitter. Criteria: Invitae Variant Classification Sherloc (09022015). Collection method: clinical testing. Allele origin: germline.
Comment: This sequence change replaces glycine, which is neutral and non-polar, with serine, which is neutral and polar, at codon 334 of the SCN9A protein (p.Gly334Ser). This variant is not present in population databases (gnomAD no frequency). This variant has not been reported in the literature in individuals affected with SCN9A-related conditions. ClinVar contains an entry for this variant (Variation ID: 1059891). Advanced modeling of protein sequence and biophysical properties (such as structural, functional, and spatial information, amino acid conservation, physicochemical variation, residue mobility, and thermodynamic stability) performed at Invitae indicates that this missense variant is not expected to disrupt SCN9A protein function with a negative predictive value of 95%. In summary, the available evidence is currently insufficient to determine the role of this variant in disease. Therefore, it has been classified as a Variant of Uncertain Significance.